The following is an entry in ClinVar:

ClinVar aggregate classification (germline): not provided (0 of 4 stars; one submission).

Submission:

ITMI
No classification provided. Condition: AllHighlyPenetrant. Last evaluated: 2013-09-19. Review status: no classification provided. Collection method: reference population. Allele origin: germline.
Comment: Please see associated publication for description of ethnicities

Literature cited by the submitters: PubMed 24728327.

NM_017617.5(NOTCH1):c.5167+189delinsGG

Gene: NOTCH1 (notch receptor 1; minus strand). Cytogenetic location: 9q34.3.
Variant type: Indel.
Coding change: c.5167+189delinsGG on transcript NM_017617.5 (MANE Select); 189 bases into the intron after coding-DNA position 5167, C replaced by GG.
Molecular consequence: intron variant.
Genome position (GRCh38, 1-based): chr9:136,502,993, G replaced by CC on the plus strand (C replaced by GG on the coding strand, the reverse complement: NOTCH1 is on the minus strand). VCF-style: chr9-136502993-G-CC. GRCh37 (hg19) VCF-style: chr9-139397445-G-CC.
Identifiers: ClinVar variation 133358 (VCV000133358.1), dbSNP rs587777956, ClinGen allele CA156448.